The following is an entry in ClinVar:

ClinVar aggregate classification (germline): Benign. Review status: criteria provided, multiple submitters, no conflicts (2 of 4 stars). 2 submissions from 2 submitters: Benign (2). Last evaluated 2015-12-04.

Allele frequency attached by ClinVar (database versions not stated): gnomAD 0.61581 and 0.61982; TOPMed 0.62070; 1000 Genomes Project 30x 0.63898; 1000 Genomes Project 0.64497; gnomAD exomes 0.69811.
gnomAD v4.1: 94,426 of 152,018 alleles (62%); highest among the groups gnomAD compares: East Asian, 88%; 29,778 homozygotes.

Submissions (2):

GeneDx
Classification: Benign. Last evaluated: 2015-12-04. Review status: criteria provided, single submitter. Criteria: GeneDx Variant Classification (06012015). Collection method: clinical testing. Allele origin: germline. Affected: yes.
Comment: This variant is considered likely benign or benign based on one or more of the following criteria: it is a conservative change, it occurs at a poorly conserved position in the protein, it is predicted to be benign by multiple in silico algorithms, and/or has population frequency not consistent with disease.

Breakthrough Genomics
Classification: Benign. Review status: criteria provided, single submitter. Criteria: ACMG Guidelines, 2015. Collection method: not provided. Allele origin: germline. Inheritance: Autosomal recessive inheritance. Affected: yes.

NM_145199.3(LIPT1):c.-2+1361T>C

Gene: LIPT1 (lipoyltransferase 1; plus strand). Cytogenetic location: 2q11.2.
Variant type: single nucleotide variant.
Coding change: c.-2+1361T>C on transcript NM_145199.3 (MANE Select); 1361 bases into the intron after 2 bases upstream of the start codon, T replaced by C.
Molecular consequence: intron variant. On other transcripts: 5 prime UTR variant (4), non-coding transcript variant (1).
Genome position (GRCh38, 1-based): chr2:99,156,412, T>C. VCF-style: chr2-99156412-T-C. GRCh37 (hg19) VCF-style: chr2-99772875-T-C.
Other names: c.-16T>C (NM_001204830.2, NM_015929.4); c.-144T>C (NM_145197.3); c.-132T>C (NM_145198.3).
Identifiers: ClinVar variation 379990 (VCV000379990.2), dbSNP rs2516828, ClinGen allele CA11121082.